The following is an entry in ClinVar:

ClinVar aggregate classification (germline): Benign/Likely benign. Review status: criteria provided, multiple submitters, no conflicts (2 of 4 stars). 4 submissions from 4 submitters: Benign (1); Likely benign (3). Last evaluated 2025-04-02.

Conditions:
Hereditary cancer-predisposing syndrome. Also called: Hereditary Cancer Syndrome; Neoplastic Syndromes, Hereditary; Tumor predisposition; Hereditary neoplastic syndrome. Identifiers: Orphanet 140162, MedGen C0027672, MeSH D009386, MONDO:0015356.
Peutz-Jeghers syndrome (PJS). Also called: POLYPOSIS, HAMARTOMATOUS INTESTINAL; POLYPS-AND-SPOTS SYNDROME; Peutz-Jeghers polyposis; Periorificial lentiginosis syndrome. Identifiers: Orphanet 2869, MedGen C0031269, MeSH D010580, MONDO:0008280, OMIM 175200.

Allele frequency attached by ClinVar (database versions not stated): ExAC 0.00001; gnomAD 0.00001; gnomAD exomes 0.00001 and 0.00002.
gnomAD v4.1: 15 of 1,613,660 alleles (0.00093%); highest among the groups gnomAD compares: Middle Eastern, 0.016%; no homozygotes.

Submissions (4):

Labcorp Genetics (formerly Invitae), Labcorp
Classification: Likely benign for Peutz-Jeghers syndrome. Last evaluated: 2025-04-02. Review status: criteria provided, single submitter. Criteria: Invitae Variant Classification Sherloc (09022015). Collection method: clinical testing. Allele origin: germline.

Myriad Genetics, Inc.
Classification: Benign for Peutz-Jeghers syndrome. Last evaluated: 2025-03-25. Review status: criteria provided, single submitter. Criteria: Myriad Autosomal Dominant, Autosomal Recessive and X-Linked Classification Criteria (2023). Collection method: clinical testing. Allele origin: unknown.
Comment: This variant is considered benign. This variant is a silent/synonymous amino acid change and it is not expected to impact splicing.

Color Diagnostics, LLC DBA Color Health
Classification: Likely benign for Hereditary cancer-predisposing syndrome. Last evaluated: 2015-08-17. Review status: criteria provided, single submitter. Criteria: ACMG Guidelines, 2015. Collection method: clinical testing. Allele origin: germline.

Ambry Genetics
Classification: Likely benign for Hereditary cancer-predisposing syndrome. Last evaluated: 2015-01-20. Review status: criteria provided, single submitter. Criteria: Ambry Variant Classification Scheme 2023. Collection method: clinical testing. Allele origin: germline.

NM_000455.5(STK11):c.108C>T (p.Tyr36=)

Gene: STK11 (serine/threonine kinase 11; plus strand). Cytogenetic location: 19p13.3.
Variant type: single nucleotide variant.
Coding change: c.108C>T on transcript NM_000455.5 (MANE Select); coding-DNA position 108, C replaced by T.
Protein change: p.Tyr36=; no amino-acid change (tyrosine 36 retained).
Molecular consequence: synonymous variant.
Genome position (GRCh38, 1-based): chr19:1,207,021, C>T. VCF-style: chr19-1207021-C-T. GRCh37 (hg19) VCF-style: chr19-1207020-C-T.
Identifiers: ClinVar variation 230097 (VCV000230097.19), dbSNP rs137853079, ClinGen allele CA045146.